The following is an entry in ClinVar:

NM_000548.5(TSC2):c.1717-30G>A

Gene: TSC2 (TSC complex subunit 2; plus strand). Cytogenetic location: 16p13.3.
Variant type: single nucleotide variant.
Coding change: c.1717-30G>A on transcript NM_000548.5 (MANE Select); 30 bases into the intron before coding-DNA position 1717, G replaced by A.
Molecular consequence: intron variant.
Genome position (GRCh38, 1-based): chr16:2,070,426, G>A. VCF-style: chr16-2070426-G-A. GRCh37 (hg19) VCF-style: chr16-2120427-G-A.
Other names: c.1717-30G>A (NM_001114382.3, NM_021055.3, NM_001370405.1 and 3 more transcripts); c.1606-30G>A (NM_001318827.2); c.1117-30G>A (NM_001318831.2); c.1570-30G>A (NM_001318829.2); c.1750-30G>A (NM_001318832.2).
Identifiers: ClinVar variation 49619 (VCV000049619.21), dbSNP rs45500703, ClinGen allele CA015564.

ClinVar aggregate classification (germline): Benign/Likely benign. Review status: criteria provided, multiple submitters, no conflicts (2 of 4 stars). 4 submissions from 4 submitters: Benign (1); Likely benign (2). 1 of the submissions does not count toward it. Last evaluated 2024-07-01.

Conditions:
Tuberous sclerosis syndrome (TSC). Also called: Tuberous Sclerosis Complex; Tuberous sclerosis. Identifiers: Orphanet 805, MedGen C0041341, MONDO:0001734.

Allele frequency attached by ClinVar (database versions not stated): TOPMed 0.00067; gnomAD exomes 0.00088 and 0.00036; ExAC 0.00096; 1000 Genomes Project 30x 0.00125; 1000 Genomes Project 0.00140; ESP Exome Variant Server 0.00008; gnomAD 0.00038 and 0.00043.
gnomAD v4.1: 590 of 1,613,184 alleles (0.037%); highest among the groups gnomAD compares: East Asian, 0.91%; 2 homozygotes.

Submissions (4):

CeGaT Center for Human Genetics Tuebingen
Classification: Benign. Last evaluated: 2024-07-01. Review status: criteria provided, single submitter. Criteria: CeGaT Center For Human Genetics Tuebingen Variant Classification Criteria Version 2. Collection method: clinical testing. Allele origin: germline. Affected: yes. Observed: 1 variant allele.
Comment: TSC2: BS1, BS2

GeneDx
Classification: Likely benign. Last evaluated: 2018-06-16. Review status: criteria provided, single submitter. Criteria: GeneDx Variant Classification (06012015). Collection method: clinical testing. Allele origin: germline. Affected: yes.
Comment: This variant is considered likely benign or benign based on one or more of the following criteria: it is a conservative change, it occurs at a poorly conserved position in the protein, it is predicted to be benign by multiple in silico algorithms, and/or has population frequency not consistent with disease.

Breakthrough Genomics
Classification: Likely benign. Review status: criteria provided, single submitter. Criteria: ACMG Guidelines, 2015. Collection method: not provided. Allele origin: germline. Inheritance: Autosomal dominant inheritance. Affected: yes.

Tuberous sclerosis database (TSC2)
No classification provided. Condition: TSC. Review status: no classification provided. Criteria: Tuberous Sclerosis Database Assertion Criteria 2015. Collection method: curation. Allele origin: germline. Affected: yes. Not counted in ClinVar's aggregate classification.